The following is an entry in ClinVar:

NM_182916.3(TRNT1):c.448C>T (p.Arg150Cys)

Gene: TRNT1 (tRNA nucleotidyl transferase 1; plus strand). Cytogenetic location: 3p26.2.
Variant type: single nucleotide variant.
Coding change: c.448C>T on transcript NM_182916.3 (MANE Select); coding-DNA position 448, C replaced by T.
Protein change: p.Arg150Cys; replaces arginine 150 with cysteine.
Molecular consequence: missense variant. On other transcripts: non-coding transcript variant (6).
Genome position (GRCh38, 1-based): chr3:3,140,615, C>T. VCF-style: chr3-3140615-C-T. GRCh37 (hg19) VCF-style: chr3-3182299-C-T.
Other names: c.448C>T, p.Arg150Cys (NM_001302946.2, NM_001367321.1, NM_001367322.1 and 1 more transcripts); short protein forms R150C.
Identifiers: ClinVar variation 1356093 (VCV001356093.8), dbSNP rs747332169, ClinGen allele CA2228652.
Genomic context (GRCh38, chr3:3,140,615, plus strand): 5'-ACCACTGATGGAAGACATGCTGAGGTAGAATTTACAACTGACTGGCAGAAAGATGCGGAA[C>T]GCAGAGATCTCACTATAAATTCTATGTTTTTAGGTAATATTTGCAGATAAAACCATATTG-3'
Protein context (NP_886552.3, residues 140-160): FTTDWQKDAE[Arg150Cys]RDLTINSMFL

ClinVar aggregate classification (germline): Uncertain significance. Review status: criteria provided, multiple submitters, no conflicts (2 of 4 stars). 2 submissions from 2 submitters: Uncertain significance (2). Last evaluated 2023-12-21.

Conditions:
Congenital sideroblastic anemia-B-cell immunodeficiency-periodic fever-developmental delay syndrome. Also called: Sideroblastic anemia with B-cell immunodeficiency, periodic fevers, and developmental delay. Identifiers: Orphanet 369861, MedGen C4015172, MONDO:0014487, OMIM 616084.

Allele frequency attached by ClinVar (database versions not stated): ExAC 0.00001; gnomAD exomes 0.00001 and 0.00003; gnomAD 0.00002 and 0.00003; TOPMed 0.00002.

Submissions (2):

Labcorp Genetics (formerly Invitae), Labcorp
Classification: Uncertain significance for Congenital sideroblastic anemia-B-cell immunodeficiency-periodic fever-developmental delay syndrome. Last evaluated: 2023-12-21. Review status: criteria provided, single submitter. Criteria: Invitae Variant Classification Sherloc (09022015). Collection method: clinical testing. Allele origin: germline.
Comment: This sequence change replaces arginine, which is basic and polar, with cysteine, which is neutral and slightly polar, at codon 150 of the TRNT1 protein (p.Arg150Cys). This variant is present in population databases (rs747332169, gnomAD 0.02%). This variant has not been reported in the literature in individuals affected with TRNT1-related conditions. ClinVar contains an entry for this variant (Variation ID: 1356093). Advanced modeling of protein sequence and biophysical properties (such as structural, functional, and spatial information, amino acid conservation, physicochemical variation, residue mobility, and thermodynamic stability) performed at Invitae indicates that this missense variant is expected to disrupt TRNT1 protein function with a positive predictive value of 80%. In summary, the available evidence is currently insufficient to determine the role of this variant in disease. Therefore, it has been classified as a Variant of Uncertain Significance.

GeneDx
Classification: Uncertain significance. Last evaluated: 2022-04-11. Review status: criteria provided, single submitter. Criteria: GeneDx Variant Classification Process June 2021. Collection method: clinical testing. Allele origin: germline. Affected: yes.
Comment: In silico analysis supports that this missense variant has a deleterious effect on protein structure/function; Has not been previously published as pathogenic or benign to our knowledge